The following is an entry in ClinVar:

ClinVar aggregate classification (germline): Uncertain significance (1 of 4 stars; one submission).

Conditions:
Primary ciliary dyskinesia. Also called: Ciliary dyskinesia. Identifiers: Orphanet 244, MedGen C0008780, MONDO:0016575, HP:0012265.

Allele frequency attached by ClinVar (database versions not stated): TOPMed below 0.00001.

Submission:

Labcorp Genetics (formerly Invitae), Labcorp
Classification: Uncertain significance for Primary ciliary dyskinesia. Last evaluated: 2022-05-16. Review status: criteria provided, single submitter. Criteria: Invitae Variant Classification Sherloc (09022015). Collection method: clinical testing. Allele origin: germline.
Comment: This sequence change replaces cysteine, which is neutral and slightly polar, with tyrosine, which is neutral and polar, at codon 1949 of the DNAH5 protein (p.Cys1949Tyr). This variant is not present in population databases (gnomAD no frequency). This variant has not been reported in the literature in individuals affected with DNAH5-related conditions. Algorithms developed to predict the effect of missense changes on protein structure and function are either unavailable or do not agree on the potential impact of this missense change (SIFT: "Deleterious"; PolyPhen-2: "Possibly Damaging"; Align-GVGD: "Class C0"). In summary, the available evidence is currently insufficient to determine the role of this variant in disease. Therefore, it has been classified as a Variant of Uncertain Significance.

NM_001369.3(DNAH5):c.5846G>A (p.Cys1949Tyr)

Gene: DNAH5 (dynein axonemal heavy chain 5; minus strand). Cytogenetic location: 5p15.2.
Variant type: single nucleotide variant.
Coding change: c.5846G>A on transcript NM_001369.3 (MANE Select); coding-DNA position 5846, G replaced by A.
Protein change: p.Cys1949Tyr; replaces cysteine 1949 with tyrosine.
Molecular consequence: missense variant.
Genome position (GRCh38, 1-based): chr5:13,839,392, C>T on the plus strand (G>A on the coding strand, the complement: DNAH5 is on the minus strand). VCF-style: chr5-13839392-C-T. GRCh37 (hg19) VCF-style: chr5-13839501-C-T.
Other names: short protein forms C1949Y.
Identifiers: ClinVar variation 2103745 (VCV002103745.1), dbSNP rs1764854434, ClinGen allele CA359206252.